The following is an entry in ClinVar:

ClinVar aggregate classification (germline): Conflicting classifications of pathogenicity. Review status: criteria provided, conflicting classifications (1 of 4 stars). 8 submissions from 8 submitters: Uncertain significance (2); Benign (1); Likely benign (4). 1 of the submissions does not count toward it. Last evaluated 2026-02-04.

Conditions:
MSH3-related disorder. Also called: MSH3-related condition.
Familial adenomatous polyposis 4 (FAP4). Also called: MSH3-related attenuated familial adenomatous polyposis. Identifiers: Orphanet 480536, MedGen C4310719, MONDO:0044300, OMIM 617100.
Hereditary cancer-predisposing syndrome. Also called: Neoplastic Syndromes, Hereditary; Hereditary Cancer Syndrome; Tumor predisposition; Hereditary neoplastic syndrome. Identifiers: Orphanet 140162, MedGen C0027672, MeSH D009386, MONDO:0015356.

Allele frequency attached by ClinVar (database versions not stated): gnomAD exomes 0.00016 and 0.00040; ExAC 0.00054; ESP Exome Variant Server 0.00185; gnomAD 0.00187 and 0.00201; TOPMed 0.00210; 1000 Genomes Project 0.00240; 1000 Genomes Project 30x 0.00250.
gnomAD v4.1: 519 of 1,591,544 alleles (0.033%); highest among the groups gnomAD compares: African/African-American, 0.64%; no homozygotes.

Submissions (8):

Labcorp Genetics (formerly Invitae), Labcorp
Classification: Benign. Last evaluated: 2026-02-04. Review status: criteria provided, single submitter. Criteria: Invitae Variant Classification Sherloc (09022015). Collection method: clinical testing. Allele origin: germline.

GeneDx
Classification: Uncertain significance. Last evaluated: 2025-03-10. Review status: criteria provided, single submitter. Criteria: GeneDx Variant Classification Process June 2021. Collection method: clinical testing. Allele origin: germline. Affected: yes.
Comment: In silico analysis supports that this missense variant has a deleterious effect on protein structure/function; Observed in individuals with colorectal cancer (PMID: 28944238); This variant is associated with the following publications: (PMID: 28944238)

Blueprint Genetics
Classification: Likely benign. Last evaluated: 2024-07-16. Review status: criteria provided, single submitter. Criteria: ACMG Guidelines, 2015. Collection method: clinical testing. Allele origin: germline.

Department of Pathology and Laboratory Medicine, Sinai Health System
Classification: Uncertain significance for Familial adenomatous polyposis 4. Last evaluated: 2024-01-15. Review status: criteria provided, single submitter. Criteria: ACMG Guidelines, 2015. Collection method: clinical testing. Allele origin: germline. Affected: yes.

Sema4
Classification: Likely benign for Hereditary cancer-predisposing syndrome. Last evaluated: 2021-07-03. Review status: criteria provided, single submitter. Criteria: Sema4 Curation Guidelines. Collection method: curation. Allele origin: germline.

Genetic Services Laboratory, University of Chicago
Classification: Likely benign. Last evaluated: 2021-04-02. Review status: criteria provided, single submitter. Criteria: ACMG Guidelines, 2015. Collection method: clinical testing. Allele origin: germline. Affected: no.

Ambry Genetics
Classification: Likely benign for Hereditary cancer-predisposing syndrome. Last evaluated: 2018-12-10. Review status: criteria provided, single submitter. Criteria: Ambry Variant Classification Scheme 2023. Collection method: clinical testing. Allele origin: germline.

PreventionGenetics, part of Exact Sciences
Classification: Likely benign for MSH3-related condition. Last evaluated: 2021-11-12. Review status: no assertion criteria provided. Collection method: clinical testing. Allele origin: germline. Not counted in ClinVar's aggregate classification.
Comment: This variant is classified as likely benign based on ACMG/AMP sequence variant interpretation guidelines (Richards et al. 2015 PMID: 25741868, with internal and published modifications).

Literature cited by the submitters: PubMed 28944238 (cited by Department of Pathology and Laboratory Medicine, Sinai Health System and Sema4).

NM_002439.5(MSH3):c.1469C>A (p.Ser490Tyr)

Gene: MSH3 (mutS homolog 3; plus strand). Cytogenetic location: 5q14.1.
Variant type: single nucleotide variant.
Coding change: c.1469C>A on transcript NM_002439.5 (MANE Select); coding-DNA position 1469, C replaced by A.
Protein change: p.Ser490Tyr; replaces serine 490 with tyrosine.
Molecular consequence: missense variant.
Genome position (GRCh38, 1-based): chr5:80,728,866, C>A. VCF-style: chr5-80728866-C-A. GRCh37 (hg19) VCF-style: chr5-80024685-C-A.
Other names: short protein forms S490Y.
Identifiers: ClinVar variation 743358 (VCV000743358.29), dbSNP rs76249824, ClinGen allele CA3327933.